The following is an entry in ClinVar:

ClinVar aggregate classification (germline): Uncertain significance. Review status: criteria provided, multiple submitters, no conflicts (2 of 4 stars). 2 submissions from 2 submitters: Uncertain significance (2). Last evaluated 2025-12-11.

Conditions:
Hereditary cancer-predisposing syndrome. Also called: Neoplastic Syndromes, Hereditary; Tumor predisposition; Hereditary neoplastic syndrome; Hereditary Cancer Syndrome. Identifiers: Orphanet 140162, MedGen C0027672, MeSH D009386, MONDO:0015356.

Submissions (2):

Ambry Genetics
Classification: Uncertain significance for Hereditary cancer-predisposing syndrome. Last evaluated: 2025-12-11. Review status: criteria provided, single submitter. Criteria: Ambry Variant Classification Scheme 2023. Collection method: clinical testing. Allele origin: germline.

Color Diagnostics, LLC DBA Color Health
Classification: Uncertain significance for Hereditary cancer-predisposing syndrome. Last evaluated: 2023-12-05. Review status: criteria provided, single submitter. Criteria: ACMG Guidelines, 2015. Collection method: clinical testing. Allele origin: germline.
Comment: This missense variant replaces serine with threonine at codon 537 of the APC protein. Computational prediction suggests that this variant may not impact protein structure and function (internally defined REVEL score threshold <= 0.5, PMID: 27666373). To our knowledge, functional studies have not been reported for this variant. This variant has not been reported in individuals affected with APC-related disorders in the literature. This variant has not been identified in the general population by the Genome Aggregation Database (gnomAD). The available evidence is insufficient to determine the role of this variant in disease conclusively. Therefore, this variant is classified as a Variant of Uncertain Significance.

NM_000038.6(APC):c.1610G>C (p.Ser537Thr)

Gene: APC (APC regulator of Wnt signaling pathway; plus strand). Cytogenetic location: 5q22.2.
Variant type: single nucleotide variant.
Coding change: c.1610G>C on transcript NM_000038.6 (MANE Select); coding-DNA position 1610, G replaced by C.
Protein change: p.Ser537Thr; replaces serine 537 with threonine.
Molecular consequence: missense variant.
Genome position (GRCh38, 1-based): chr5:112,827,990, G>C. VCF-style: chr5-112827990-G-C. GRCh37 (hg19) VCF-style: chr5-112163687-G-C.
Other names: c.1610G>C, p.Ser537Thr (NM_001127510.3, NM_001354895.2); c.1556G>C, p.Ser519Thr (NM_001127511.3); c.1664G>C, p.Ser555Thr (NM_001354896.2); c.1640G>C, p.Ser547Thr (NM_001354897.2); c.1535G>C, p.Ser512Thr (NM_001354898.2); c.1526G>C, p.Ser509Thr (NM_001354899.2); c.1487G>C, p.Ser496Thr (NM_001354900.2); c.1433G>C, p.Ser478Thr (NM_001354901.2); and 5 more; short protein forms S537T, S519T, S377T, S555T, S496T, S509T, S512T, S254T.
Identifiers: ClinVar variation 628056 (VCV000628056.6), dbSNP rs1001526630, ClinGen allele CA16024820.